The following is an entry in ClinVar:

ClinVar aggregate classification (germline): Uncertain significance. Review status: criteria provided, multiple submitters, no conflicts (2 of 4 stars). 3 submissions from 3 submitters: Uncertain significance (3). Last evaluated 2024-12-04.

Conditions:
Inborn genetic diseases. Identifiers: MedGen C0950123, MeSH D030342.

Allele frequency attached by ClinVar (database versions not stated): ExAC 0.00001; TOPMed 0.00002; gnomAD 0.00004; gnomAD exomes 0.00005.
gnomAD v4.1: 76 of 1,612,952 alleles (0.0047%); highest among the groups gnomAD compares: Non-Finnish European, 0.0064%; no homozygotes.

Submissions (3):

Ambry Genetics
Classification: Uncertain significance for Inborn genetic diseases. Last evaluated: 2024-12-04. Review status: criteria provided, single submitter. Criteria: Ambry Variant Classification Scheme 2023. Collection method: clinical testing. Allele origin: germline.
Comment: The p.E1432K variant (also known as c.4294G>A), located in coding exon 30 of the ANKRD26 gene, results from a G to A substitution at nucleotide position 4294. The glutamic acid at codon 1432 is replaced by lysine, an amino acid with similar properties. This amino acid position is conserved. In addition, this alteration is predicted to be tolerated by in silico analysis. Based on the available evidence, the clinical significance of this variant remains unclear.

Labcorp Genetics (formerly Invitae), Labcorp
Classification: Uncertain significance. Last evaluated: 2024-04-29. Review status: criteria provided, single submitter. Criteria: Invitae Variant Classification Sherloc (09022015). Collection method: clinical testing. Allele origin: germline.
Comment: This sequence change replaces glutamic acid, which is acidic and polar, with lysine, which is basic and polar, at codon 1432 of the ANKRD26 protein (p.Glu1432Lys). This variant is present in population databases (rs773278655, gnomAD 0.002%). This variant has not been reported in the literature in individuals affected with ANKRD26-related conditions. An algorithm developed to predict the effect of missense changes on protein structure and function (PolyPhen-2) suggests that this variant is likely to be tolerated. In summary, the available evidence is currently insufficient to determine the role of this variant in disease. Therefore, it has been classified as a Variant of Uncertain Significance.

GeneDx
Classification: Uncertain significance. Last evaluated: 2023-10-20. Review status: criteria provided, single submitter. Criteria: GeneDx Variant Classification Process June 2021. Collection method: clinical testing. Allele origin: germline. Affected: yes.
Comment: Not observed at significant frequency in large population cohorts (gnomAD); In silico analysis supports that this missense variant does not alter protein structure/function; Has not been previously published as pathogenic or benign to our knowledge

NM_014915.3(ANKRD26):c.4294G>A (p.Glu1432Lys)

Gene: ANKRD26 (ankyrin repeat domain 26; minus strand). Cytogenetic location: 10p12.1.
Variant type: single nucleotide variant.
Coding change: c.4294G>A on transcript NM_014915.3 (MANE Select); coding-DNA position 4294, G replaced by A.
Protein change: p.Glu1432Lys; replaces glutamic acid 1432 with lysine.
Molecular consequence: missense variant.
Genome position (GRCh38, 1-based): chr10:27,017,714, C>T on the plus strand (G>A on the coding strand, the complement: ANKRD26 is on the minus strand). VCF-style: chr10-27017714-C-T. GRCh37 (hg19) VCF-style: chr10-27306643-C-T.
Other names: c.4291G>A, p.Glu1431Lys (NM_001256053.2); short protein forms E1431K, E1432K.
Identifiers: ClinVar variation 2722202 (VCV002722202.5), dbSNP rs773278655, ClinGen allele CA5447815.